The following is an entry in ClinVar:

NM_001261826.3(AP3D1):c.1597A>G (p.Ile533Val)

Gene: AP3D1 (adaptor related protein complex 3 subunit delta 1; minus strand). Cytogenetic location: 19p13.3.
Variant type: single nucleotide variant.
Coding change: c.1597A>G on transcript NM_001261826.3 (MANE Select); coding-DNA position 1597, A replaced by G.
Protein change: p.Ile533Val; replaces isoleucine 533 with valine.
Molecular consequence: missense variant.
Genome position (GRCh38, 1-based): chr19:2,118,717, T>C on the plus strand (A>G on the coding strand, the complement: AP3D1 is on the minus strand). VCF-style: chr19-2118717-T-C. GRCh37 (hg19) VCF-style: chr19-2118716-T-C.
Other names: c.1597A>G, p.Ile533Val (NM_001374799.1, NM_003938.8); short protein forms I533V.
Identifiers: ClinVar variation 2103340 (VCV002103340.4), dbSNP rs377679458, ClinGen allele CA9059268.

ClinVar aggregate classification (germline): Uncertain significance (1 of 4 stars; one submission).

Allele frequency attached by ClinVar (database versions not stated): gnomAD 0.00001; TOPMed 0.00002; ExAC 0.00003; ESP Exome Variant Server 0.00008.
gnomAD v4.1: 18 of 1,613,534 alleles (0.0011%); highest among the groups gnomAD compares: Admixed American, 0.0017%; no homozygotes.

Submission:

Labcorp Genetics (formerly Invitae), Labcorp
Classification: Uncertain significance. Last evaluated: 2021-12-24. Review status: criteria provided, single submitter. Criteria: Invitae Variant Classification Sherloc (09022015). Collection method: clinical testing. Allele origin: germline.
Comment: This variant is present in population databases (rs377679458, gnomAD 0.003%). This variant has not been reported in the literature in individuals affected with AP3D1-related conditions. Algorithms developed to predict the effect of missense changes on protein structure and function output the following: SIFT: "Tolerated"; PolyPhen-2: "Benign"; Align-GVGD: "Class C0". The valine amino acid residue is found in multiple mammalian species, which suggests that this missense change does not adversely affect protein function. In summary, the available evidence is currently insufficient to determine the role of this variant in disease. Therefore, it has been classified as a Variant of Uncertain Significance. This sequence change replaces isoleucine, which is neutral and non-polar, with valine, which is neutral and non-polar, at codon 533 of the AP3D1 protein (p.Ile533Val).